The following is an entry in ClinVar:

NM_001242.5(CD27):c.761C>A (p.Pro254Gln)

Genes: CD27-AS1 (CD27 antisense RNA 1; minus strand), CD27 (CD27 molecule; plus strand). Cytogenetic location: 12p13.31.
Variant type: single nucleotide variant.
Coding change: c.761C>A on transcript NM_001242.5 (MANE Select); coding-DNA position 761, C replaced by A.
Protein change: p.Pro254Gln; replaces proline 254 with glutamine.
Molecular consequence: missense variant. On other transcripts: non-coding transcript variant (1).
Genome position (GRCh38, 1-based): chr12:6,451,370, C>A. VCF-style: chr12-6451370-C-A. GRCh37 (hg19) VCF-style: chr12-6560536-C-A.
Other names: short protein forms P254Q.
Identifiers: ClinVar variation 963059 (VCV000963059.8), dbSNP rs1462831179, ClinGen allele CA383551663.

ClinVar aggregate classification (germline): Uncertain significance (1 of 4 stars; one submission).

Conditions:
Lymphoproliferative syndrome 2 (LPFS2). Also called: Combined immunodeficiency due to CD27 deficiency; CD27 DEFICIENCY. Identifiers: Orphanet 238505, MedGen C3554540, MONDO:0014054, OMIM 615122.

Allele frequency attached by ClinVar (database versions not stated): TOPMed 0.00001.

Submission:

Labcorp Genetics (formerly Invitae), Labcorp
Classification: Uncertain significance for Lymphoproliferative syndrome 2. Last evaluated: 2019-10-09. Review status: criteria provided, single submitter. Criteria: Invitae Variant Classification Sherloc (09022015). Collection method: clinical testing. Allele origin: germline.
Comment: This sequence change replaces proline with glutamine at codon 254 of the CD27 protein (p.Pro254Gln). The proline residue is highly conserved and there is a moderate physicochemical difference between proline and glutamine. This variant is not present in population databases (ExAC no frequency). This variant has not been reported in the literature in individuals with CD27-related conditions. In summary, the available evidence is currently insufficient to determine the role of this variant in disease. Therefore, it has been classified as a Variant of Uncertain Significance. Algorithms developed to predict the effect of missense changes on protein structure and function (SIFT, PolyPhen-2, Align-GVGD) all suggest that this variant is likely to be disruptive, but these predictions have not been confirmed by published functional studies and their clinical significance is uncertain.